The following is an entry in ClinVar:

ClinVar aggregate classification (germline): Uncertain significance (1 of 4 stars; one submission).

Conditions:
Cardiomyopathy (CMYO). Also called: Cardiomyopathies. Identifiers: Orphanet 167848, MedGen C0878544, MONDO:0004994, HP:0001638. Inheritance: Various modes of inheritance.

Allele frequency attached by ClinVar (database versions not stated): gnomAD exomes below 0.00001.
gnomAD v4.1: 2 of 1,613,542 alleles (0.00012%); highest among the groups gnomAD compares: Non-Finnish European, 0.00017%; no homozygotes.

Submission:

Color Diagnostics, LLC DBA Color Health
Classification: Uncertain significance for Cardiomyopathy. Last evaluated: 2023-12-04. Review status: criteria provided, single submitter. Criteria: ACMG Guidelines, 2015. Collection method: clinical testing. Allele origin: germline.
Comment: Variant of Uncertain Significance due to insufficient evidence: This missense variant is located in the armadillo repeat 3 domain of the PKP2 protein. Computational prediction tools and conservation analyses are inconclusive regarding the impact of this variant on the protein function. Computational splicing tools suggest that this variant may not impact the RNA splicing. To our knowledge, functional assays have not been performed for this variant nor has this variant been reported in individuals affected with cardiovascular disorders. This variant is rare in the general population and has been identified in 0/277264 chromosomes by the Genome Aggregation Database (gnomAD). Available evidence is insufficient to determine the role of this variant in disease conclusively.

NM_001005242.3(PKP2):c.1328T>C (p.Leu443Pro)

Gene: PKP2 (plakophilin 2; minus strand). Cytogenetic location: 12p11.21.
Variant type: single nucleotide variant.
Coding change: c.1328T>C on transcript NM_001005242.3 (MANE Select); coding-DNA position 1328, T replaced by C.
Protein change: p.Leu443Pro; replaces leucine 443 with proline.
Molecular consequence: missense variant.
Genome position (GRCh38, 1-based): chr12:32,850,816, A>G on the plus strand (T>C on the coding strand, the complement: PKP2 is on the minus strand). VCF-style: chr12-32850816-A-G. GRCh37 (hg19) VCF-style: chr12-33003750-A-G.
Other names: c.1328T>C, p.Leu443Pro (NM_004572.4); short protein forms L443P.
Identifiers: ClinVar variation 628806 (VCV000628806.6), dbSNP rs1314470423, ClinGen allele CA384369857.